The following is an entry in ClinVar:

ClinVar aggregate classification (germline): Uncertain significance (1 of 4 stars; one submission).

Conditions:
Erythrocytosis, familial, 3 (ECYT3). Identifiers: Orphanet 247511, MedGen C1853286, MONDO:0012353, OMIM 609820.

Submission:

Labcorp Genetics (formerly Invitae), Labcorp
Classification: Uncertain significance for Erythrocytosis, familial, 3. Last evaluated: 2022-12-02. Review status: criteria provided, single submitter. Criteria: Invitae Variant Classification Sherloc (09022015). Collection method: clinical testing. Allele origin: germline.
Comment: This sequence change replaces threonine, which is neutral and polar, with proline, which is neutral and non-polar, at codon 325 of the EGLN1 protein (p.Thr325Pro). This variant is not present in population databases (gnomAD no frequency). In summary, the available evidence is currently insufficient to determine the role of this variant in disease. Therefore, it has been classified as a Variant of Uncertain Significance. This variant has not been reported in the literature in individuals affected with EGLN1-related conditions. Algorithms developed to predict the effect of missense changes on protein structure and function (SIFT, PolyPhen-2, Align-GVGD) all suggest that this variant is likely to be disruptive.

NM_022051.3(EGLN1):c.973A>C (p.Thr325Pro)

Gene: EGLN1 (egl-9 family hypoxia inducible factor 1; minus strand). Cytogenetic location: 1q42.2.
Variant type: single nucleotide variant.
Coding change: c.973A>C on transcript NM_022051.3 (MANE Select); coding-DNA position 973, A replaced by C.
Protein change: p.Thr325Pro; replaces threonine 325 with proline.
Molecular consequence: missense variant.
Genome position (GRCh38, 1-based): chr1:231,374,018, T>G on the plus strand (A>C on the coding strand, the complement: EGLN1 is on the minus strand). VCF-style: chr1-231374018-T-G. GRCh37 (hg19) VCF-style: chr1-231509764-T-G.
Other names: c.973A>C, p.Thr325Pro (NM_001377260.1, NM_001377261.1); short protein forms T325P.
Identifiers: ClinVar variation 2818060 (VCV002818060.3), dbSNP rs2527236896, ClinGen allele CA345241397.